The following is an entry in ClinVar:

NM_032383.5(HPS3):c.1787A>G (p.Glu596Gly)

Gene: HPS3 (HPS3 biogenesis of lysosomal organelles complex 2 subunit 1; plus strand). Cytogenetic location: 3q24.
Variant type: single nucleotide variant.
Coding change: c.1787A>G on transcript NM_032383.5 (MANE Select); coding-DNA position 1787, A replaced by G.
Protein change: p.Glu596Gly; replaces glutamic acid 596 with glycine.
Molecular consequence: missense variant.
Genome position (GRCh38, 1-based): chr3:149,158,761, A>G. VCF-style: chr3-149158761-A-G. GRCh37 (hg19) VCF-style: chr3-148876548-A-G.
Other names: c.1292A>G, p.Glu431Gly (NM_001308258.2); short protein forms E596G, E431G.
Identifiers: ClinVar variation 902308 (VCV000902308.9), dbSNP rs147557809, ClinGen allele CA2660181.

ClinVar aggregate classification (germline): Uncertain significance. Review status: criteria provided, multiple submitters, no conflicts (2 of 4 stars). 3 submissions from 3 submitters: Uncertain significance (3). Last evaluated 2024-09-10.

Conditions:
Inborn genetic diseases. Identifiers: MedGen C0950123, MeSH D030342.
Hermansky-Pudlak syndrome 3 (HPS3). Identifiers: Orphanet 231512, Orphanet 79430, MedGen C3888001, MONDO:0013555, OMIM 614072.

Allele frequency attached by ClinVar (database versions not stated): gnomAD exomes 0.00008 and 0.00011; gnomAD 0.00009; TOPMed 0.00009; ESP Exome Variant Server 0.00015; ExAC 0.00017.
gnomAD v4.1: 127 of 1,612,246 alleles (0.0079%); highest among the groups gnomAD compares: Middle Eastern, 0.016%; no homozygotes.

Submissions (4):

Ambry Genetics
Classification: Uncertain significance for Inborn genetic diseases. Last evaluated: 2024-09-10. Review status: criteria provided, single submitter. Criteria: Ambry Variant Classification Scheme 2023. Collection method: clinical testing. Allele origin: germline.

Labcorp Genetics (formerly Invitae), Labcorp
Classification: Uncertain significance. Last evaluated: 2022-08-10. Review status: criteria provided, single submitter. Criteria: Invitae Variant Classification Sherloc (09022015). Collection method: clinical testing. Allele origin: germline.
Comment: This sequence change replaces glutamic acid, which is acidic and polar, with glycine, which is neutral and non-polar, at codon 596 of the HPS3 protein (p.Glu596Gly). This variant is present in population databases (rs147557809, gnomAD 0.02%). This variant has not been reported in the literature in individuals affected with HPS3-related conditions. ClinVar contains an entry for this variant (Variation ID: 902308). Algorithms developed to predict the effect of missense changes on protein structure and function (SIFT, PolyPhen-2, Align-GVGD) all suggest that this variant is likely to be tolerated. Algorithms developed to predict the effect of sequence changes on RNA splicing suggest that this variant may disrupt the consensus splice site. In summary, the available evidence is currently insufficient to determine the role of this variant in disease. Therefore, it has been classified as a Variant of Uncertain Significance.

Illumina Laboratory Services, Illumina
Classification: Uncertain significance for Hermansky-Pudlak syndrome 3. Last evaluated: 2018-01-13. Review status: criteria provided, single submitter. Criteria: ICSL Variant Classification Criteria 13 December 2019. Collection method: clinical testing. Allele origin: germline.

Dr. Peter K. Rogan Lab, Western University
No classification provided (evidence only). Condition: Nonpapillary renal cell carcinoma. Review status: no classification provided. Collection method: in vitro. Allele origin: not applicable. Functional consequence: skipped exon. Not counted in ClinVar's aggregate classification.